The following is an entry in ClinVar:

ClinVar aggregate classification (germline): Benign. Review status: criteria provided, multiple submitters, no conflicts (2 of 4 stars). 4 submissions from 2 submitters: Benign (4). Last evaluated 2018-01-13.

Conditions:
Retinitis pigmentosa (RP). Identifiers: Orphanet 791, MedGen C0035334, MeSH D012174, MONDO:0019200, OMIM 268000. Inheritance: Autosomal dominant, autosomal recessive and X linked inheritance.
Leber congenital amaurosis 7 (LCA7). Identifiers: Orphanet 65, MedGen C3151192, MONDO:0013449, OMIM 613829.
Cone-rod dystrophy 2 (CORD2). Also called: CONE-ROD RETINAL DYSTROPHY; Cone-rod retinal dystrophy 2. Identifiers: Orphanet 1872, MedGen C3489532, MONDO:0007362, OMIM 120970.

Allele frequency attached by ClinVar (database versions not stated): 1000 Genomes Project 0.57009; 1000 Genomes Project 30x 0.57761; gnomAD 0.67513 and 0.68727; TOPMed 0.68638; gnomAD exomes 0.37500.
gnomAD v4.1: 102,575 of 151,940 alleles (68%); highest among the groups gnomAD compares: African/African-American, 83%; 36,160 homozygotes.

Submissions (4):

Illumina Laboratory Services, Illumina
Classification: Benign for Cone-rod dystrophy 2. Last evaluated: 2018-01-13. Review status: criteria provided, single submitter. Criteria: ICSL Variant Classification Criteria 13 December 2019. Collection method: clinical testing. Allele origin: germline.
Comment: This variant was observed in the ICSL laboratory as part of a predisposition screen in an ostensibly healthy population. It had not been previously curated by ICSL or reported in the Human Gene Mutation Database (HGMD: prior to June 1st, 2018), and was therefore a candidate for classification through an automated scoring system. Utilizing variant allele frequency, disease prevalence and penetrance estimates, and inheritance mode, an automated score was calculated to assess if this variant is too frequent to cause the disease. Based on the score and internal cut-off values, a variant classified as benign is not then subjected to further curation. The score for this variant resulted in a classification of benign for this disease.

Illumina Laboratory Services, Illumina
Classification: Benign for Retinitis pigmentosa. Last evaluated: 2018-01-13. Review status: criteria provided, single submitter. Criteria: ICSL Variant Classification Criteria 13 December 2019. Collection method: clinical testing. Allele origin: germline.
Comment: the same text as in the submission from Illumina Laboratory Services, Illumina above.

Illumina Laboratory Services, Illumina
Classification: Benign for Leber congenital amaurosis 7. Last evaluated: 2018-01-13. Review status: criteria provided, single submitter. Criteria: ICSL Variant Classification Criteria 13 December 2019. Collection method: clinical testing. Allele origin: germline.
Comment: the same text as in the submission from Illumina Laboratory Services, Illumina above.

Breakthrough Genomics
Classification: Benign. Review status: criteria provided, single submitter. Criteria: ACMG Guidelines, 2015. Collection method: not provided. Allele origin: germline. Inheritance: Autosomal dominant inheritance. Affected: yes.

NM_000554.6(CRX):c.*1455T>A

Gene: CRX (cone-rod homeobox; plus strand). Cytogenetic location: 19q13.33.
Variant type: single nucleotide variant.
Coding change: c.*1455T>A on transcript NM_000554.6 (MANE Select); 1455 bases downstream of the stop codon, T replaced by A.
Molecular consequence: 3 prime UTR variant.
Genome position (GRCh38, 1-based): chr19:47,841,422, T>A. VCF-style: chr19-47841422-T-A. GRCh37 (hg19) VCF-style: chr19-48344679-T-A.
Identifiers: ClinVar variation 329742 (VCV000329742.6), dbSNP rs10418834, ClinGen allele CA10643071.
Genomic context (GRCh38, chr19:47,841,422, plus strand): 5'-TTTTTTCTTTTGTTTTAGGATTTTCTAAAGGTGAGACACTGGTGGAACTGGGGTAGCTGC[T>A]TGGGACGTACCACCTATAGTTGTGGCTATTTCACAGAGAAGCAGCAGCTAGACAGACTCC-3'